The following is an entry in ClinVar:

NM_000095.3(COMP):c.1467C>A (p.Asn489Lys)

Gene: COMP (cartilage oligomeric matrix protein; minus strand). Cytogenetic location: 19p13.11.
Variant type: single nucleotide variant.
Coding change: c.1467C>A on transcript NM_000095.3 (MANE Select); coding-DNA position 1467, C replaced by A.
Protein change: p.Asn489Lys; replaces asparagine 489 with lysine.
Molecular consequence: missense variant.
Genome position (GRCh38, 1-based): chr19:18,785,987, G>T on the plus strand (C>A on the coding strand, the complement: COMP is on the minus strand). VCF-style: chr19-18785987-G-T. GRCh37 (hg19) VCF-style: chr19-18896797-G-T.
Other names: short protein forms N489K.
Identifiers: ClinVar variation 1067222 (VCV001067222.10), dbSNP rs772268073, ClinGen allele CA404884223.

ClinVar aggregate classification (germline): Pathogenic/Likely pathogenic. Review status: criteria provided, multiple submitters, no conflicts (2 of 4 stars). 3 submissions from 3 submitters: Pathogenic (2); Likely pathogenic (1). Last evaluated 2025-07-16.

Conditions:
COMP-related disorder. Also called: COMP-related condition; COMP-related disorders.
Multiple epiphyseal dysplasia type 1. Also called: COMP-Related Multiple Epiphyseal Dysplasia. Identifiers: Orphanet 93308, MedGen C1838280, MONDO:0007561, OMIM 132400.

Submissions (3):

Variantyx, Inc.
Classification: Likely pathogenic for Multiple epiphyseal dysplasia type 1. Last evaluated: 2025-07-16. Review status: criteria provided, single submitter. Criteria: Variantyx Assertion Criteria 2022. Collection method: clinical testing. Allele origin: germline. Inheritance: Autosomal dominant inheritance. Affected: yes.
Comment: This is a nonsynonymous variant in the COMP gene (OMIM: 600310). Pathogenic variants in this gene have been associated with autosomal dominant multiple epiphyseal dysplasia 1. This variant has been reported in at least 3 affected individuals (PMID: 24595329, 38702915, 26920793) (PS4) and it has been observed to segregate with disease in at least 4 individuals from one family (PMID: 26920793) (PP1). This variant lies within a known hotspot for pathogenic variants or a well-established critical functional domain of the COMP protein (PMID: 24595329) (PM1), and an alternate nucleotide substitution resulting in the same amino acid change (c.1467C>G) in affected individuals has been reported; however, its pathogenicity has not been established. Multiple computational algorithms predict a deleterious effect for this variant (REVEL score: 0.787) (PP3). This variant is absent from control populations (PM2). Based on the current evidence, this variant is classified as likely pathogenic for autosomal dominant multiple epiphyseal dysplasia 1.

Labcorp Genetics (formerly Invitae), Labcorp
Classification: Pathogenic. Last evaluated: 2024-12-03. Review status: criteria provided, single submitter. Criteria: Invitae Variant Classification Sherloc (09022015). Collection method: clinical testing. Allele origin: germline.
Comment: This sequence change replaces asparagine, which is neutral and polar, with lysine, which is basic and polar, at codon 489 of the COMP protein (p.Asn489Lys). This variant is not present in population databases (gnomAD no frequency). This missense change has been observed in individuals with clinical features of multiple epiphyseal dysplasia (PMID: 24595329, 26920793; internal data). It has also been observed to segregate with disease in related individuals. ClinVar contains an entry for this variant (Variation ID: 1067222). Invitae Evidence Modeling of protein sequence and biophysical properties (such as structural, functional, and spatial information, amino acid conservation, physicochemical variation, residue mobility, and thermodynamic stability) indicates that this missense variant is expected to disrupt COMP protein function with a positive predictive value of 80%. For these reasons, this variant has been classified as Pathogenic.

Blueprint Genetics
Classification: Pathogenic for COMP-related disorders. Last evaluated: 2021-12-22. Review status: criteria provided, single submitter. Criteria: ACMG Guidelines, 2015. Collection method: clinical testing. Allele origin: germline. Affected: yes. Observed: 2 variant alleles.

Literature cited by the submitters: PubMed 24595329 (cited by Variantyx, Inc. and Labcorp Genetics (formerly Invitae), Labcorp); PubMed 38702915 (cited by Variantyx, Inc.); PubMed 26920793 (cited by Variantyx, Inc. and Labcorp Genetics (formerly Invitae), Labcorp).